The following is an entry in ClinVar:

NM_015122.3(FCHO1):c.1541G>A (p.Gly514Asp)

Gene: FCHO1 (FCH and mu domain containing endocytic adaptor 1; plus strand). Cytogenetic location: 19p13.11.
Variant type: single nucleotide variant.
Coding change: c.1541G>A on transcript NM_015122.3 (MANE Select); coding-DNA position 1541, G replaced by A.
Protein change: p.Gly514Asp; replaces glycine 514 with aspartic acid.
Molecular consequence: missense variant. On other transcripts: non-coding transcript variant (14), intron variant (11).
Genome position (GRCh38, 1-based): chr19:17,778,798, G>A. VCF-style: chr19-17778798-G-A. GRCh37 (hg19) VCF-style: chr19-17889607-G-A.
Other names: c.1541G>A, p.Gly514Asp (NM_001161357.2, NM_001161358.2, NM_001384370.1 and 13 more transcripts); c.1391G>A, p.Gly464Asp (NM_001161359.2, NM_001384384.1, NM_001384385.1 and 1 more transcripts); c.1502G>A, p.Gly501Asp (NM_001384388.1, NM_001384389.1, NM_001384405.1); c.1466G>A, p.Gly489Asp (NM_001384390.1); c.1424G>A, p.Gly475Asp (NM_001384392.1, NM_001384393.1, NM_001384394.1 and 1 more transcripts); c.1351+570G>A (NM_001384396.1, NM_001384404.1, NM_001384398.1 and 5 more transcripts); c.1201+570G>A (NM_001384406.1); c.1058-2433G>A (NM_001384407.1); and 1 more; short protein forms G464D, G514D, G489D, G501D, G475D.
Identifiers: ClinVar variation 2076835 (VCV002076835.4), dbSNP rs1271426472, ClinGen allele CA404753856.

ClinVar aggregate classification (germline): Uncertain significance (1 of 4 stars; one submission).

gnomAD v4.1: 3 of 1,542,020 alleles (0.00019%); highest among the groups gnomAD compares: Non-Finnish European, 0.00017%; no homozygotes.

Submission:

Labcorp Genetics (formerly Invitae), Labcorp
Classification: Uncertain significance. Last evaluated: 2022-01-06. Review status: criteria provided, single submitter. Criteria: Invitae Variant Classification Sherloc (09022015). Collection method: clinical testing. Allele origin: germline.
Comment: In summary, the available evidence is currently insufficient to determine the role of this variant in disease. Therefore, it has been classified as a Variant of Uncertain Significance. Algorithms developed to predict the effect of missense changes on protein structure and function (SIFT, PolyPhen-2, Align-GVGD) all suggest that this variant is likely to be tolerated. This variant has not been reported in the literature in individuals affected with FCHO1-related conditions. This variant is not present in population databases (gnomAD no frequency). This sequence change replaces glycine, which is neutral and non-polar, with aspartic acid, which is acidic and polar, at codon 514 of the FCHO1 protein (p.Gly514Asp).